The following is an entry in ClinVar:

NM_032043.3(BRIP1):c.1474-18T>C

Gene: BRIP1 (BRCA1 interacting DNA helicase 1; minus strand). Cytogenetic location: 17q23.2.
Variant type: single nucleotide variant.
Coding change: c.1474-18T>C on transcript NM_032043.3 (MANE Select); 18 bases into the intron before coding-DNA position 1474, T replaced by C.
Molecular consequence: intron variant.
Genome position (GRCh38, 1-based): chr17:61,784,442, A>G on the plus strand (T>C on the coding strand, the complement: BRIP1 is on the minus strand). VCF-style: chr17-61784442-A-G. GRCh37 (hg19) VCF-style: chr17-59861803-A-G.
Identifiers: ClinVar variation 491409 (VCV000491409.7), dbSNP rs1555603649, ClinGen allele CA658684164.

ClinVar aggregate classification (germline): Likely benign. Review status: criteria provided, multiple submitters, no conflicts (2 of 4 stars). 4 submissions from 4 submitters: Likely benign (4). Last evaluated 2024-10-20.

Conditions:
Fanconi anemia complementation group J. Also called: BRIP1-Related Fanconi Anemia. Identifiers: Orphanet 84, MedGen C1836860, MONDO:0012187, OMIM 609054.
Familial cancer of breast. Also called: hereditary breast carcinoma; Hereditary breast cancer; BREAST CANCER, FAMILIAL. Identifiers: Orphanet 227535, MedGen C0346153, MONDO:0016419, OMIM 114480. Disease mechanism: loss of function.
Hereditary cancer-predisposing syndrome. Also called: Tumor predisposition; Hereditary Cancer Syndrome; Neoplastic Syndromes, Hereditary; Hereditary neoplastic syndrome. Identifiers: Orphanet 140162, MedGen C0027672, MeSH D009386, MONDO:0015356.

Submissions (4):

Labcorp Genetics (formerly Invitae), Labcorp
Classification: Likely benign for Familial cancer of breast; Fanconi anemia complementation group J. Last evaluated: 2024-10-20. Review status: criteria provided, single submitter. Criteria: Invitae Variant Classification Sherloc (09022015). Collection method: clinical testing. Allele origin: germline.

Myriad Genetics, Inc.
Classification: Likely benign for Familial cancer of breast. Last evaluated: 2024-08-28. Review status: criteria provided, single submitter. Criteria: Myriad Autosomal Dominant, Autosomal Recessive and X-Linked Classification Criteria (2023). Collection method: clinical testing. Allele origin: unknown.
Comment: This variant is considered likely benign. This variant is intronic and is not expected to impact mRNA splicing.

Blueprint Genetics
Classification: Likely benign. Last evaluated: 2022-07-25. Review status: criteria provided, single submitter. Criteria: ACMG Guidelines, 2015. Collection method: clinical testing. Allele origin: germline.

Color Diagnostics, LLC DBA Color Health
Classification: Likely benign for Hereditary cancer-predisposing syndrome. Last evaluated: 2017-08-23. Review status: criteria provided, single submitter. Criteria: ACMG Guidelines, 2015. Collection method: clinical testing. Allele origin: germline.